The following is an entry in ClinVar:

NM_194248.3(OTOF):c.138+28T>G

Gene: OTOF (otoferlin; minus strand). Cytogenetic location: 2p23.3.
Variant type: single nucleotide variant.
Coding change: c.138+28T>G on transcript NM_194248.3 (MANE Select); 28 bases into the intron after coding-DNA position 138, T replaced by G.
Molecular consequence: intron variant.
Genome position (GRCh38, 1-based): chr2:26,537,688, A>C on the plus strand (T>G on the coding strand, the complement: OTOF is on the minus strand). VCF-style: chr2-26537688-A-C. GRCh37 (hg19) VCF-style: chr2-26760556-A-C.
Other names: c.138+28T>G (NM_001287489.2).
Identifiers: ClinVar variation 683347 (VCV000683347.2), dbSNP rs13398223, ClinGen allele CA1564804.
Genomic context (GRCh38, chr2:26,537,688, plus strand): 5'-GCCAGTGTGTGCCCGCAAGAGGCAGCGAAGGGTGGCTGTTCCCCTCTGGGCTCAGGGCTG[A>C]GGGAGGGGGGAGTCTTGGGCCTCCTACCTCATCAAAGTCAGCCACATCCTCACAGTTCTC-3'

ClinVar aggregate classification (germline): Benign. Review status: criteria provided, multiple submitters, no conflicts (2 of 4 stars). 2 submissions from 2 submitters: Benign (2). Last evaluated 2018-06-16.

Allele frequency attached by ClinVar (database versions not stated): gnomAD exomes 0.01184; ExAC 0.02519; gnomAD 0.04775 and 0.05107; ESP Exome Variant Server 0.05119; TOPMed 0.05440; 1000 Genomes Project 0.05831; 1000 Genomes Project 30x 0.06184.
gnomAD v4.1: 13,879 of 1,532,326 alleles (0.91%); highest among the groups gnomAD compares: African/African-American, 17%; 1,058 homozygotes.

Submissions (2):

GeneDx
Classification: Benign. Last evaluated: 2018-06-16. Review status: criteria provided, single submitter. Criteria: GeneDx Variant Classification (06012015). Collection method: clinical testing. Allele origin: germline. Affected: yes.
Comment: This variant is considered likely benign or benign based on one or more of the following criteria: it is a conservative change, it occurs at a poorly conserved position in the protein, it is predicted to be benign by multiple in silico algorithms, and/or has population frequency not consistent with disease.

Breakthrough Genomics
Classification: Benign. Review status: criteria provided, single submitter. Criteria: ACMG Guidelines, 2015. Collection method: not provided. Allele origin: germline. Inheritance: Autosomal recessive inheritance. Affected: yes.